The following is an entry in ClinVar:

ClinVar aggregate classification (germline): Uncertain significance. Review status: criteria provided, multiple submitters, no conflicts (2 of 4 stars). 4 submissions from 4 submitters: Uncertain significance (4). Last evaluated 2025-07-02.

Conditions:
Inborn genetic diseases. Identifiers: MedGen C0950123, MeSH D030342.

Allele frequency attached by ClinVar (database versions not stated): ESP Exome Variant Server 0.00015; gnomAD exomes 0.00015 and 0.00023; TOPMed 0.00016; gnomAD 0.00020 and 0.00022; ExAC 0.00013.
gnomAD v4.1: 354 of 1,613,942 alleles (0.022%); highest among the groups gnomAD compares: Non-Finnish European, 0.027%; 1 homozygote.

Submissions (4):

Ambry Genetics
Classification: Uncertain significance for Inborn genetic diseases. Last evaluated: 2025-07-02. Review status: criteria provided, single submitter. Criteria: Ambry Variant Classification Scheme 2023. Collection method: clinical testing. Allele origin: germline.

Labcorp Genetics (formerly Invitae), Labcorp
Classification: Uncertain significance. Last evaluated: 2024-02-24. Review status: criteria provided, single submitter. Criteria: Invitae Variant Classification Sherloc (09022015). Collection method: clinical testing. Allele origin: germline.
Comment: This sequence change replaces arginine, which is basic and polar, with glycine, which is neutral and non-polar, at codon 89 of the C2CD3 protein (p.Arg89Gly). This variant is present in population databases (rs141212532, gnomAD 0.05%). This variant has not been reported in the literature in individuals affected with C2CD3-related conditions. ClinVar contains an entry for this variant (Variation ID: 382344). Advanced modeling of protein sequence and biophysical properties (such as structural, functional, and spatial information, amino acid conservation, physicochemical variation, residue mobility, and thermodynamic stability) performed at Invitae indicates that this missense variant is expected to disrupt C2CD3 protein function with a positive predictive value of 80%. In summary, the available evidence is currently insufficient to determine the role of this variant in disease. Therefore, it has been classified as a Variant of Uncertain Significance.

GeneDx
Classification: Uncertain significance. Last evaluated: 2016-01-15. Review status: criteria provided, single submitter. Criteria: GeneDx Variant Classification (06012015). Collection method: clinical testing. Allele origin: germline. Affected: yes.
Comment: The R89G variant in the C2CD3 gene has not been reported previously as a pathogenic variant, nor as a benign variant, to our knowledge. The R89G variant was not observed at any significant frequecny in approximately 6500 individuals of European and African American ancestry in the NHLBI Exome Sequencing Project, indicating it is not a common benign variant in these populations. The R89G variant is a non-conservative amino acid substitution, which is likely to impact secondary protein structure as these residues differ in polarity, charge, size and/or other properties. This substitution occurs at a position where amino acids with similar properties to Arginine are tolerated across species. In silico analysis predicts this variant is probably damaging to the protein structure/function. Therefore, we interpret R89G as a variant of uncertain significance.

Breakthrough Genomics
Classification: Uncertain significance. Review status: criteria provided, single submitter. Criteria: ACMG Guidelines, 2015. Collection method: not provided. Allele origin: germline. Inheritance: Autosomal recessive inheritance. Affected: yes.

NM_001286577.2(C2CD3):c.265A>G (p.Arg89Gly)

Gene: C2CD3 (C2 domain containing 3 centriole elongation regulator; minus strand). Cytogenetic location: 11q13.4.
Variant type: single nucleotide variant.
Coding change: c.265A>G on transcript NM_001286577.2 (MANE Select); coding-DNA position 265, A replaced by G.
Protein change: p.Arg89Gly; replaces arginine 89 with glycine.
Molecular consequence: missense variant.
Genome position (GRCh38, 1-based): chr11:74,168,404, T>C on the plus strand (A>G on the coding strand, the complement: C2CD3 is on the minus strand). VCF-style: chr11-74168404-T-C. GRCh37 (hg19) VCF-style: chr11-73879449-T-C.
Other names: c.265A>G (NM_015531.4); c.265A>G, p.Arg89Gly (NM_015531.6); short protein forms R89G.
Identifiers: ClinVar variation 382344 (VCV000382344.10), dbSNP rs141212532, ClinGen allele CA6183283.
Genomic context (GRCh38, chr11:74,168,404, plus strand): 5'-CTGTTAGATAAGAGGTAAACTGTTTTGGACCACAACGAATAGCGTAACGTGTAGTTGTTC[T>C]CACAGCTTTTGGTTCAGTCTGCAATGCATCCCTGGGACAAAAGAGGGTTCCATCTGATGT-3'
Protein context (NP_001273506.1, residues 79-99): DALQTEPKAV[Arg89Gly]TTTRYAIRCG